The following is an entry in ClinVar:

NM_022124.6(CDH23):c.9074_9075del (p.Asp3025fs)

Gene: CDH23 (cadherin related 23; plus strand). Cytogenetic location: 10q22.1.
Variant type: Deletion.
Coding change: c.9074_9075del on transcript NM_022124.6 (MANE Select); coding-DNA positions 9074 to 9075, 2 bases deleted (AC; older notation c.9074_9075delAC).
Protein change: p.Asp3025fs; shifts the reading frame from aspartic acid 3025.
Molecular consequence: frameshift variant.
Genome position (GRCh38, 1-based): chr10:71,810,566-71,810,567, AC deleted. VCF-style (leftmost placement, unchanged base first): chr10-71810565-GAC-G. GRCh37 (hg19) VCF-style: chr10-73570322-GAC-G.
Other names: c.2354_2355del, p.Asp785fs (NM_001171933.1, NM_001171934.1); short protein forms D3025fs, D785fs.
Identifiers: ClinVar variation 4855286 (VCV004855286.1).

ClinVar aggregate classification (germline): Likely pathogenic (1 of 4 stars; one submission).

Conditions:
Usher syndrome type 1D (USH1D). Also called: USHER SYNDROME, TYPE ID. Identifiers: Orphanet 231169, Orphanet 886, MedGen C1832845, MONDO:0010984, OMIM 601067.

Submission:

3billion
Classification: Likely pathogenic for Usher syndrome type 1D. Last evaluated: 2025-12-30. Review status: criteria provided, single submitter. Criteria: ACMG Guidelines, 2015. Collection method: clinical testing. Allele origin: germline. Affected: yes.
Comment: The variant is not observed in the gnomAD v4.1.0 dataset. Predicted Consequence/Location: Frameshift: predicted to result in a loss or disruption of normal protein function through nonsense-mediated decay (NMD) or protein truncation. Multiple pathogenic variants are reported downstream of the variant. Therefore, this variant is classified as Likely pathogenic according to the recommendation of ACMG/AMP guideline.